The following continues an entry in ClinVar:

NM_007294.4(BRCA1):c.1843TCT[1] (p.Ser616del)

Gene: BRCA1. ClinVar aggregate classification (germline): Benign. Benign (1). ClinVar aggregate classification (somatic clinical impact): Tier IV - Benign/Likely benign.

Submissions 20 to 27 of 27:

Ambry Genetics
Classification: Benign for Hereditary cancer-predisposing syndrome. Last evaluated: 2014-11-18. Review status: criteria provided, single submitter. Criteria: Ambry Variant Classification Scheme 2023. Collection method: clinical testing. Allele origin: germline. Not counted in ClinVar's aggregate classification.

PreventionGenetics, part of Exact Sciences
Classification: Benign for BRCA1-related condition. Last evaluated: 2021-04-19. Review status: no assertion criteria provided. Collection method: clinical testing. Allele origin: germline. Not counted in ClinVar's aggregate classification.
Comment: This variant is classified as benign based on ACMG/AMP sequence variant interpretation guidelines (Richards et al. 2015 PMID: 25741868, with internal and published modifications).

Counsyl
Classification: Likely benign for Breast-ovarian cancer, familial 1. Last evaluated: 2014-02-05. Review status: no assertion criteria provided. Collection method: literature only. Allele origin: unknown. Inheritance: Autosomal dominant inheritance. Not counted in ClinVar's aggregate classification.

Sharing Clinical Reports Project (SCRP)
Classification: Benign for Breast-ovarian cancer, familial 1. Last evaluated: 2012-05-01. Review status: no assertion criteria provided. Collection method: clinical testing. Allele origin: germline. Not counted in ClinVar's aggregate classification.

Breast Cancer Information Core (BIC) (BRCA1)
Classification: Uncertain significance for Breast-ovarian cancer, familial 1. Last evaluated: 2002-05-29. Review status: no assertion criteria provided. Collection method: clinical testing. Allele origin: germline. Affected: yes. Observed: 21 variant alleles. Not counted in ClinVar's aggregate classification.

Department of Pathology and Laboratory Medicine, Sinai Health System
Classification: Likely benign. Review status: no assertion criteria provided. Collection method: clinical testing. Allele origin: unknown. Affected: yes. Study: The Canadian Open Genetics Repository (COGR). Not counted in ClinVar's aggregate classification.
Comment: The BRCA1 p.Ser616del variant is an in-frame deletion resulting in the removal of a serine (Ser) residue at position 616; the impact of this alteration on BRCA1 protein function is not known. It has been identified in the literature in 9 of 6508 proband chromosomes (frequency: 0.001) from Nigerian, Sudanese, Moroccan, British and African- American individuals with breast cancer and HBOC and was present in 3 of the 506 control chromosomes (frequency: 0.006) from healthy individuals (Fackenthal 2012, Biunno 2014, Borg 2010, Ellis 2000, Judkins 2005a, McKean-Cowdin 2005, Tazzite 2012). The variant was identified in control databases in 103 of 282534 chromosomes (0 homozygous) at a frequency of 0.0003646, and was observed at the highest frequency in the African population in 97 of 24900 chromosomes (freq: 0.003896) (Genome Aggregation Database March 6, 2019, v2.1.1). The variant was identified in ClinVar (Benign, reviewed by expert panel. Classified as benign by ENIGMA, Ambry Genetics, Michigan Medical Genetics Laboratories, Quest Diagnostics, Invitae, SCRP. Classified as likely benign by ARUP Laboratories, GeneDx, Michigan Medical Genetics Laboratories, Mendelics, CHEO, Color, Institute for Biomarker Research Medical Diagnostic Laboratories, Prevention Genetics, Quest Diagnostics. Classified as VUS by Fulgent, BIC). The variant was also identified in dbSNP (ID: rs rs80358329), ARUP Laboratories BRCA Mutations Database (classification definitely pathogenic based on a publication from 2000), and UMD (3X with â€šÃ„Ãºunclassified variantâ€šÃ„Ã¹ classification). Myriad classifies this as a polymorphism (personal communication). The variant was identified with a co-occurring pathogenic BRCA1 variant (1755del19), increasing the likelihood that the p.Ser616del variant does not have clinical significance (Judkins 2005). The deletion variant localizes to a highly conserved region that interacts with several regulating proteins, however, it was found to occur in both affected and unaffected siblings in an African-American sibship (McKean-Cowdin 2005), but was not identified in controls in a British study looking at BRCA1 mutations in early onset/no family history of breast/ovarian cancer cases (Ellis 2000). In summary, based on the above information the clinical significance of this variant cannot be determined with certainty at this time although we would lean towards a more benign role for this variant. This variant is classified as likely benign.

Faculté Pluridciplinaire Nador, Université Mohamed Premier
Classification: Tier IV - Benign/Likely benign for Adenoid cystic carcinoma. Review status: no assertion criteria provided. Collection method: research. Allele origin: somatic. Affected: yes.
Comment: The following databases and algorithms are used to annotate and evaluate the impact of the variant in the context of human disease: 1000 genomes, gnomAD, ClinVar, OMIM, dbSNP, NCIB RefSeq Genes, ExAC Gene Constraints, VS-SIFT, VS-PolyPhen2, PhyloP, GERP++, GeneSplicer, MaxEntScan, NNSplice, PWM Splice Predictor.

Faculté Pluridciplinaire Nador, Université Mohamed Premier
Classification: Tier IV - Benign/Likely benign for Lung cancer. Review status: no assertion criteria provided. Collection method: research. Allele origin: somatic. Affected: yes.
Comment: the same text as in the submission from Faculté Pluridciplinaire Nador, Université Mohamed Premier above.

Literature cited by the submitters: PubMed 31131967 (cited by Evidence-based Network for the Interpretation of Germline Mutant Alleles (ENIGMA) and Quest Diagnostics Nichols Institute San Juan Capistrano); PubMed 29892687 (cited by Quest Diagnostics Nichols Institute San Juan Capistrano); PubMed 19941162 (cited by Quest Diagnostics Nichols Institute San Juan Capistrano); PubMed 24729269 (cited by Quest Diagnostics Nichols Institute San Juan Capistrano); PubMed 15726418 (cited by Quest Diagnostics Nichols Institute San Juan Capistrano and Counsyl); PubMed 20104584 (cited by Quest Diagnostics Nichols Institute San Juan Capistrano and Counsyl); PubMed 16267036 (cited by Quest Diagnostics Nichols Institute San Juan Capistrano and Counsyl); PubMed 11183185 (cited by Quest Diagnostics Nichols Institute San Juan Capistrano and Counsyl); PubMed 22425665 (cited by Quest Diagnostics Nichols Institute San Juan Capistrano and Counsyl); PubMed 22034289 (cited by Quest Diagnostics Nichols Institute San Juan Capistrano); PubMed 22874498 (cited by Quest Diagnostics Nichols Institute San Juan Capistrano); DOI 10.3389/fgene.2022.834265 (cited by National Health Laboratory Service, Universitas Academic Hospital and University of the Free State).